The following is an entry in ClinVar:

NM_003721.4(RFXANK):c.454_455del (p.Ile152fs)

Gene: RFXANK (regulatory factor X associated ankyrin containing protein; plus strand). Cytogenetic location: 19p13.11.
Variant type: Deletion.
Coding change: c.454_455del on transcript NM_003721.4 (MANE Select); coding-DNA positions 454 to 455, 2 bases deleted (AT; older notation c.454_455delAT).
Protein change: p.Ile152fs; shifts the reading frame from isoleucine 152.
Molecular consequence: frameshift variant.
Genome position (GRCh38, 1-based): chr19:19,198,122-19,198,123, AT deleted. VCF-style (leftmost placement, unchanged base first): chr19-19198121-CAT-C. GRCh37 (hg19) VCF-style: chr19-19308930-CAT-C.
Other names: c.388_389del, p.Ile130fs (NM_001278727.2, NM_001370234.1); c.385_386del, p.Ile129fs (NM_001278728.2, NM_134440.3); c.454_455del, p.Ile152fs (NM_001370233.1, NM_001370238.1); c.451_452del, p.Ile151fs (NM_001370235.1, NM_001370236.1, NM_001370237.1); short protein forms I129fs, I130fs, I151fs, I152fs.
Identifiers: ClinVar variation 689614 (VCV000689614.9), dbSNP rs753338285, ClinGen allele CA9322771.

ClinVar aggregate classification (germline): Pathogenic/Likely pathogenic. Review status: criteria provided, multiple submitters, no conflicts (2 of 4 stars). 4 submissions from 4 submitters: Pathogenic (1); Likely pathogenic (3). Last evaluated 2024-03-05.

Conditions:
MHC class II deficiency 2. Also called: Bare lymphocyte syndrome, type II, complementation group B. Identifiers: MedGen C1859535, MONDO:0971013, OMIM 620815.
MHC class II deficiency. Also called: Bare lymphocyte syndrome 2; BLS, TYPE II. Identifiers: Orphanet 572, MedGen C5447452, MONDO:0008855.

Allele frequency attached by ClinVar (database versions not stated): gnomAD 0.00001; gnomAD exomes 0.00001; ExAC 0.00002; TOPMed 0.00003.

Submissions (4):

Fulgent Genetics
Classification: Likely pathogenic for MHC class II deficiency 2. Last evaluated: 2024-03-05. Review status: criteria provided, single submitter. Criteria: ACMG Guidelines, 2015. Collection method: clinical testing. Allele origin: germline.

Baylor Genetics
Classification: Likely pathogenic for MHC class II deficiency 1. Last evaluated: 2022-09-16. Review status: criteria provided, single submitter. Criteria: ACMG Guidelines, 2015. Collection method: clinical testing. Allele origin: unknown.

Labcorp Genetics (formerly Invitae), Labcorp
Classification: Pathogenic for MHC class II deficiency. Last evaluated: 2021-11-16. Review status: criteria provided, single submitter. Criteria: Invitae Variant Classification Sherloc (09022015). Collection method: clinical testing. Allele origin: germline.
Comment: For these reasons, this variant has been classified as Pathogenic. ClinVar contains an entry for this variant (Variation ID: 689614). This variant has not been reported in the literature in individuals affected with RFXANK-related conditions. This variant is present in population databases (rs753338285, gnomAD 0.003%). This sequence change creates a premature translational stop signal (p.Ile152Profs*28) in the RFXANK gene. It is expected to result in an absent or disrupted protein product. Loss-of-function variants in RFXANK are known to be pathogenic (PMID: 10803838, 16166641, 21908431).

HudsonAlpha Institute for Biotechnology
Classification: Likely pathogenic for MHC class II deficiency 1. Last evaluated: 2019-02-25. Review status: criteria provided, single submitter. Criteria: ACMG Guidelines, 2015. Collection method: research. Allele origin: unknown. Observed: 1 variant allele. Study: CSER-SouthSeq.
Comment: ACMG codes: PVS1, PM2

Literature cited by the submitters: PubMed 10803838 (cited by Labcorp Genetics (formerly Invitae), Labcorp); PubMed 16166641 (cited by Labcorp Genetics (formerly Invitae), Labcorp); PubMed 21908431 (cited by Labcorp Genetics (formerly Invitae), Labcorp).